The following is an entry in ClinVar:

NM_000059.4(BRCA2):c.6926G>A (p.Ser2309Asn)

Gene: BRCA2 (BRCA2 DNA repair associated; plus strand). Cytogenetic location: 13q13.1.
Variant type: single nucleotide variant.
Coding change: c.6926G>A on transcript NM_000059.4 (MANE Select); coding-DNA position 6926, G replaced by A.
Protein change: p.Ser2309Asn; replaces serine 2309 with asparagine.
Molecular consequence: missense variant. On other transcripts: non-coding transcript variant (1), intron variant (1).
Genome position (GRCh38, 1-based): chr13:32,344,642, G>A. VCF-style: chr13-32344642-G-A. GRCh37 (hg19) VCF-style: chr13-32918779-G-A.
Other names: c.6926G>A, p.Ser2309Asn (NM_001406720.1, NM_001432077.1); c.1994G>A, p.Ser665Asn (NM_001406721.1); c.509G>A, p.Ser170Asn (NM_001406722.1); c.6842-2185G>A (NM_001406719.1); short protein forms S2309N, S170N, S665N.
Identifiers: ClinVar variation 3481982 (VCV003481982.1).

ClinVar aggregate classification (germline): Uncertain significance (1 of 4 stars; one submission).

Conditions:
Hereditary cancer-predisposing syndrome. Also called: Tumor predisposition; Neoplastic Syndromes, Hereditary; Hereditary Cancer Syndrome; Hereditary neoplastic syndrome. Identifiers: Orphanet 140162, MedGen C0027672, MeSH D009386, MONDO:0015356.

gnomAD v4.1: 1 of 1,568,152 alleles (0.000064%); highest among the groups gnomAD compares: Non-Finnish European, 0.000088%; no homozygotes.

Submission:

Ambry Genetics
Classification: Uncertain significance for Hereditary cancer-predisposing syndrome. Last evaluated: 2024-12-02. Review status: criteria provided, single submitter. Criteria: Ambry Variant Classification Scheme 2023. Collection method: clinical testing. Allele origin: germline.
Comment: The p.S2309N variant (also known as c.6926G>A), located in coding exon 11 of the BRCA2 gene, results from a G to A substitution at nucleotide position 6926. The serine at codon 2309 is replaced by asparagine, an amino acid with highly similar properties. This amino acid position is well conserved in available vertebrate species. In addition, the in silico prediction for this alteration is inconclusive. Based on the available evidence, the clinical significance of this variant remains unclear.